The following is an entry in ClinVar:

ClinVar aggregate classification (germline): Pathogenic (1 of 4 stars; one submission).

Submission:

Labcorp Genetics (formerly Invitae), Labcorp
Classification: Pathogenic. Last evaluated: 2025-06-25. Review status: criteria provided, single submitter. Criteria: Invitae Variant Classification Sherloc (09022015). Collection method: clinical testing. Allele origin: germline.
Comment: This sequence change creates a premature translational stop signal (p.Leu431Ilefs*8) in the ZMPSTE24 gene. While this is not anticipated to result in nonsense mediated decay, it is expected to disrupt the last 45 amino acid(s) of the ZMPSTE24 protein. This variant is not present in population databases (gnomAD no frequency). This variant has not been reported in the literature in individuals affected with ZMPSTE24-related conditions. This variant disrupts a region of the ZMPSTE24 protein in which other variant(s) (p.Trp450*) have been determined to be pathogenic (PMID: 20814950). This suggests that this is a clinically significant region of the protein, and that variants that disrupt it are likely to be disease-causing. For these reasons, this variant has been classified as Pathogenic.

Literature cited by the submitters: PubMed 20814950.

NM_005857.5(ZMPSTE24):c.1291_1292del (p.Leu431fs)

Gene: ZMPSTE24 (zinc metallopeptidase STE24; plus strand). Cytogenetic location: 1p34.2.
Variant type: Deletion.
Coding change: c.1291_1292del on transcript NM_005857.5 (MANE Select); coding-DNA positions 1291 to 1292, 2 bases deleted (TT; older notation c.1291_1292delTT).
Protein change: p.Leu431fs; shifts the reading frame from leucine 431.
Molecular consequence: frameshift variant.
Genome position (GRCh38, 1-based): chr1:40,292,532-40,292,533, TT deleted. VCF-style (leftmost placement, unchanged base first): chr1-40292531-CTT-C. GRCh37 (hg19) VCF-style: chr1-40758203-CTT-C.
Other names: short protein forms L431fs.
Identifiers: ClinVar variation 4706430 (VCV004706430.1).